The following is an entry in ClinVar:

ClinVar aggregate classification (germline): Uncertain significance (1 of 4 stars; one submission).

Conditions:
Hereditary nonpolyposis colorectal neoplasms. Identifiers: MedGen C0009405, MeSH D003123.

Allele frequency attached by ClinVar (database versions not stated): gnomAD exomes below 0.00001.
gnomAD v4.1: 1 of 1,611,984 alleles (0.000062%); highest among the groups gnomAD compares: Non-Finnish European, 0.000085%; no homozygotes.

Submission:

Labcorp Genetics (formerly Invitae), Labcorp
Classification: Uncertain significance for Hereditary nonpolyposis colorectal neoplasms. Last evaluated: 2019-04-25. Review status: criteria provided, single submitter. Criteria: Invitae Variant Classification Sherloc (09022015). Collection method: clinical testing. Allele origin: germline.
Comment: This sequence change replaces tyrosine with phenylalanine at codon 8 of the MSH6 protein (p.Tyr8Phe). The tyrosine residue is weakly conserved and there is a small physicochemical difference between tyrosine and phenylalanine. This variant is not present in population databases (ExAC no frequency). This variant has not been reported in the literature in individuals with MSH6-related conditions. Algorithms developed to predict the effect of missense changes on protein structure and function output the following: SIFT: "Tolerated"; PolyPhen-2: "Benign"; Align-GVGD: "Class C0". The phenylalanine amino acid residue is found in multiple mammalian species, suggesting that this missense change does not adversely affect protein function. These predictions have not been confirmed by published functional studies and their clinical significance is uncertain. In summary, the available evidence is currently insufficient to determine the role of this variant in disease. Therefore, it has been classified as a Variant of Uncertain Significance.

NM_000179.3(MSH6):c.23A>T (p.Tyr8Phe)

Gene: MSH6 (mutS homolog 6; plus strand). Cytogenetic location: 2p16.3.
Variant type: single nucleotide variant.
Coding change: c.23A>T on transcript NM_000179.3 (MANE Select); coding-DNA position 23, A replaced by T.
Protein change: p.Tyr8Phe; replaces tyrosine 8 with phenylalanine.
Molecular consequence: missense variant. On other transcripts: 5 prime UTR variant (1).
Genome position (GRCh38, 1-based): chr2:47,783,256, A>T. VCF-style: chr2-47783256-A-T. GRCh37 (hg19) VCF-style: chr2-48010395-A-T.
Other names: c.23A>T, p.Tyr8Phe (NM_001281492.2); c.-714A>T (NM_001281493.2); short protein forms Y8F.
Identifiers: ClinVar variation 847995 (VCV000847995.10), dbSNP rs1572697757, ClinGen allele CA346734501.